The following is an entry in ClinVar:

ClinVar aggregate classification (germline): Conflicting classifications of pathogenicity. Review status: criteria provided, conflicting classifications (1 of 4 stars). 7 submissions from 7 submitters: Uncertain significance (5); Likely benign (2). Last evaluated 2026-08-17.

Conditions:
Familial cancer of breast. Also called: hereditary breast carcinoma; BREAST CANCER, FAMILIAL; Hereditary breast cancer. Identifiers: Orphanet 227535, MedGen C0346153, MONDO:0016419, OMIM 114480. Disease mechanism: loss of function.
Breast-ovarian cancer, familial, susceptibility to, 2 (BROVCA2). Also called: BRCA2 Hereditary Breast and Ovarian Cancer. Identifiers: Orphanet 145, MedGen C2675520, MONDO:0012933, OMIM 612555. Disease mechanism: loss of function.
Wilms tumor 1 (WT1). Also called: Wilms tumor, somatic. Identifiers: Orphanet 654, MedGen CN033288, MONDO:0008679, OMIM 194070.
Pancreatic cancer, susceptibility to, 2. Identifiers: Orphanet 1333, MedGen C3150546, MONDO:0013235, OMIM 613347.
Glioma susceptibility 3 (GLM3). Also called: Glioblastoma 3. Identifiers: Orphanet 182067, Orphanet 360, MedGen C2751641, MONDO:0013093, OMIM 613029.
Familial prostate cancer. Also called: Hereditary Prostate Cancer. Identifiers: MedGen C2931456, MONDO:0700275, OMIM 176807.
Fanconi anemia complementation group D1. Also called: BRCA2-Related Fanconi Anemia. Identifiers: Orphanet 319462, MedGen C1838457, MONDO:0011584, OMIM 605724.
Medulloblastoma (MDB). Also called: Medulloblastoma, somatic; MEDULLOBLASTOMA PREDISPOSITION SYNDROME. Identifiers: Orphanet 616, MedGen C0025149, MeSH D008527, MONDO:0007959, OMIM 155255, HP:0002885.
Hereditary cancer-predisposing syndrome. Also called: Neoplastic Syndromes, Hereditary; Tumor predisposition; Hereditary neoplastic syndrome; Hereditary Cancer Syndrome. Identifiers: Orphanet 140162, MedGen C0027672, MeSH D009386, MONDO:0015356.
Hereditary breast ovarian cancer syndrome. Also called: Hereditary breast and ovarian cancer syndrome; Hereditary breast and ovarian cancer syndrome (HBOC); Breast and ovarian cancer; BRCA1- and BRCA2-Associated Hereditary Breast and Ovarian Cancer; Hereditary breast and/or ovarian cancer syndrome; Hereditary breast and ovarian cancer. Identifiers: Orphanet 145, MedGen C0677776, MeSH D061325, MONDO:0003582. Disease mechanism: loss of function.

Allele frequency attached by ClinVar (database versions not stated): gnomAD 0.00001; gnomAD exomes 0.00001 and 0.00002.
gnomAD v4.1: 14 of 1,587,254 alleles (0.00088%); highest among the groups gnomAD compares: South Asian, 0.016%; no homozygotes.

Submissions (7):

Ambry Genetics
Classification: Likely benign for Hereditary cancer-predisposing syndrome. Last evaluated: 2026-08-17. Review status: criteria provided, single submitter. Criteria: Ambry Variant Classification Scheme 2023. Collection method: clinical testing. Allele origin: germline.

Labcorp Genetics (formerly Invitae), Labcorp
Classification: Uncertain significance for Hereditary breast ovarian cancer syndrome. Last evaluated: 2025-08-08. Review status: criteria provided, single submitter. Criteria: Invitae Variant Classification Sherloc (09022015). Collection method: clinical testing. Allele origin: germline.
Comment: This sequence change replaces isoleucine, which is neutral and non-polar, with methionine, which is neutral and non-polar, at codon 1705 of the BRCA2 protein (p.Ile1705Met). This variant is present in population databases (no rsID available, gnomAD 0.01%). This variant has not been reported in the literature in individuals affected with BRCA2-related conditions. ClinVar contains an entry for this variant (Variation ID: 236877). Invitae Evidence Modeling of protein sequence and biophysical properties (such as structural, functional, and spatial information, amino acid conservation, physicochemical variation, residue mobility, and thermodynamic stability) indicates that this missense variant is not expected to disrupt BRCA2 protein function with a negative predictive value of 95%. In summary, the available evidence is currently insufficient to determine the role of this variant in disease. Therefore, it has been classified as a Variant of Uncertain Significance.

Color Diagnostics, LLC DBA Color Health
Classification: Uncertain significance for Hereditary cancer-predisposing syndrome. Last evaluated: 2025-07-10. Review status: criteria provided, single submitter. Criteria: ACMG Guidelines, 2015. Collection method: clinical testing. Allele origin: germline.
Comment: This missense variant replaces isoleucine with methionine at codon 1705 of the BRCA2 protein. Computational prediction suggests that this variant may not impact protein structure and function. To our knowledge, functional studies have not been reported for this variant. This variant has been detected in a breast cancer case-control meta-analysis in 1/60466 cases and 0/53461 unaffected individuals (PMID: 33471991Leiden Open Variation Database DB-ID BRCA2_008300). Multifactorial analysis has reached a combined likelihood ratio (LR) of 0.922 based on reported LR for co-occurrence with a pathogenic variant and personal and family history for 1 carrier(s) (PMID: 31853058). This variant has been identified in 3/231736 chromosomes in the general population by the Genome Aggregation Database (gnomAD). The available evidence is insufficient to determine the role of this variant in disease conclusively. Therefore, this variant is classified as a Variant of Uncertain Significance.

Fulgent Genetics
Classification: Uncertain significance for Familial cancer of breast; Medulloblastoma; Familial prostate cancer; Wilms tumor 1; Fanconi anemia complementation group D1; Breast-ovarian cancer, familial, susceptibility to, 2; Glioma susceptibility 3; Pancreatic cancer, susceptibility to, 2. Last evaluated: 2024-02-28. Review status: criteria provided, single submitter. Criteria: ACMG Guidelines, 2015. Collection method: clinical testing. Allele origin: germline.

KCCC/NGS Laboratory, Kuwait Cancer Control Center
Classification: Uncertain significance for Breast-ovarian cancer, familial, susceptibility to, 2. Last evaluated: 2023-06-06. Review status: criteria provided, single submitter. Criteria: ACMG Guidelines, 2015. Collection method: clinical testing. Allele origin: germline. Affected: yes.
Comment: This sequence change replaces isoleucine with methionine at codon 1705 of the BRCA2 protein (p.Ile1705Met). The isoleucine residue is weakly conserved and there is a small physicochemical difference between isoleucine and methionine. This variant is present in the ExAC population databases with a frequency of 1.29e-5. This variant has not been reported in the literature in individuals with BRCA2-related disease. ClinVar contains 3 entries for this variant (Variation ID: 241687) and all of which classify it as variant of uncertain significance. Algorithms developed to predict the effect of missense changes on protein structure and function output the following: SIFT: "Tolerated"; PolyPhen-2: "Benign"; Align-GVGD: "Class C0". The methionine amino acid residue is found in multiple mammalian species, suggesting that this missense change does not adversely affect protein function. These predictions have not been confirmed by published functional studies and their clinical significance is uncertain. In summary, the available evidence is currently insufficient to determine the role of this variant in disease. Therefore, it has been classified as a Variant of Uncertain Significance.

All of Us Research Program, National Institutes of Health
Classification: Uncertain significance for Breast-ovarian cancer, familial, susceptibility to, 2. Last evaluated: 2023-05-31. Review status: criteria provided, single submitter. Criteria: ACMG Guidelines, 2015. Collection method: clinical testing. Allele origin: germline. Inheritance: Autosomal dominant inheritance. Observed: 1 variant allele, 1 heterozygote.
Comment: This missense variant replaces isoleucine with methionine at codon 1705 of the BRCA2 protein. Computational prediction suggests that this variant may not impact protein structure and function (internally defined REVEL score threshold <= 0.5, PMID: 27666373). To our knowledge, functional studies have not been reported for this variant. This variant has been detected in an individual affected with breast cancer (PMID: 33471991; Leiden Open Variation Database DB-ID BRCA2_008300). This variant has been identified in 3/231736 chromosomes in the general population by the Genome Aggregation Database (gnomAD). The available evidence is insufficient to determine the role of this variant in disease conclusively. Therefore, this variant is classified as a Variant of Uncertain Significance.

This study involves interpretation of variants in research participants for the purpose of population health screening. Participant phenotype was not available at the time of variant classification. Additional details can be found in publication PMID: 35346344, PMCID: PMC8962531

University of Washington Department of Laboratory Medicine, University of Washington
Classification: Likely benign for Hereditary cancer-predisposing syndrome. Last evaluated: 2023-03-23. Review status: criteria provided, single submitter. Criteria: Dines et al. (Genet Med. 2020). Collection method: curation. Allele origin: germline.
Comment: Missense variant in a coldspot region where missense variants are very unlikely to be pathogenic (PMID:31911673).

BRCA2 exon 11 coldspot. Reclassification based on statistical prior probability.

Literature cited by the submitters: PubMed 31853058 (cited by Color Diagnostics, LLC DBA Color Health); PubMed 33471991 (cited by Color Diagnostics, LLC DBA Color Health and All of Us Research Program, National Institutes of Health).

NM_000059.4(BRCA2):c.5115A>G (p.Ile1705Met)

Gene: BRCA2 (BRCA2 DNA repair associated; plus strand). Cytogenetic location: 13q13.1.
Variant type: single nucleotide variant.
Coding change: c.5115A>G on transcript NM_000059.4 (MANE Select); coding-DNA position 5115, A replaced by G.
Protein change: p.Ile1705Met; replaces isoleucine 1705 with methionine.
Molecular consequence: missense variant.
Genome position (GRCh38, 1-based): chr13:32,339,470, A>G. VCF-style: chr13-32339470-A-G. GRCh37 (hg19) VCF-style: chr13-32913607-A-G.
Other names: short protein forms I1705M.
Identifiers: ClinVar variation 236877 (VCV000236877.27), dbSNP rs878853588, ClinGen allele CA10583112.
Genomic context (GRCh38, chr13:32,339,470, plus strand): 5'-ATTACTTGAAGCAAAAAAATGGCTTAGAGAAGGAATATTTGATGGTCAACCAGAAAGAAT[A>G]AATACTGCAGATTATGTAGGAAATTATTTGTATGAAAATAATTCAAACAGTACTATAGCT-3'
Protein context (NP_000050.3, residues 1695-1715): EGIFDGQPER[Ile1705Met]NTADYVGNYL